The following is an entry in ClinVar:

NM_000255.4(MMUT):c.313T>C (p.Trp105Arg)

Gene: MMUT (methylmalonyl-CoA mutase; minus strand). Cytogenetic location: 6p12.3.
Variant type: single nucleotide variant.
Coding change: c.313T>C on transcript NM_000255.4 (MANE Select); coding-DNA position 313, T replaced by C.
Protein change: p.Trp105Arg; replaces tryptophan 105 with arginine.
Molecular consequence: missense variant.
Genome position (GRCh38, 1-based): chr6:49,459,154, A>G on the plus strand (T>C on the coding strand, the complement: MMUT is on the minus strand). VCF-style: chr6-49459154-A-G. GRCh37 (hg19) VCF-style: chr6-49426867-A-G.
Other names: short protein forms W105R.
Identifiers: ClinVar variation 1878 (VCV000001878.12), dbSNP rs121918249, ClinGen allele CA249727.

ClinVar aggregate classification (germline): Pathogenic. Review status: criteria provided, multiple submitters, no conflicts (2 of 4 stars). 7 submissions from 7 submitters: Pathogenic (4). 3 of the submissions do not count toward it. Last evaluated 2026-01-29.

Conditions:
Methylmalonic aciduria due to methylmalonyl-CoA mutase deficiency (MAMM). Also called: Methylmalonic aciduria, mut type. Identifiers: Orphanet 27, MedGen C1855114, MONDO:0009612, OMIM 251000.
METHYLMALONIC ACIDURIA, mut(0) TYPE. Identifiers: MedGen C1855115, OMIM 251000.
Methylmalonic aciduria due to complete methylmalonyl-CoA mutase deficiency.
Methylmalonic acidemia (MMA). Also called: Isolated Methylmalonic Acidemia. Identifiers: MedGen C0268583, MeSH C537358, MONDO:0002012, HP:0002912.

Allele frequency attached by ClinVar (database versions not stated): gnomAD 0.00001; gnomAD exomes 0.00001; TOPMed 0.00001.
gnomAD v4.1: 10 of 1,614,084 alleles (0.00062%); highest among the groups gnomAD compares: South Asian, 0.0066%; no homozygotes.

Submissions (7):

Natera, Inc.
Classification: Pathogenic for Methylmalonic aciduria due to complete methylmalonyl-CoA mutase deficiency. Last evaluated: 2026-01-29. Review status: criteria provided, single submitter. Criteria: Natera Variant Classification Schema (03/2026). Collection method: clinical testing. Allele origin: germline.
Comment: The c.313T>C variant in MMUT is a missense variant predicted to cause substitution of tryptophan to arginine at amino acid 105. This variant is rare in the general population with a frequency below the threshold expected for the associated phenotype(s). This variant has been observed in one or more individuals affected with the associated recessive disease, as either homozygous or compound heterozygous with a second variant (PMID: 16281286). Given the available evidence, this variant is classified as Pathogenic.

Women's Health and Genetics/Laboratory Corporation of America, LabCorp
Classification: Pathogenic for Methylmalonic acidemia. Last evaluated: 2023-01-21. Review status: criteria provided, single submitter. Criteria: LabCorp Variant Classification Summary - May 2015. Collection method: clinical testing. Allele origin: germline.
Comment: Variant summary: MUT c.313T>C (p.Trp105Arg) results in a non-conservative amino acid change located in the Methylmalonyl-CoA mutase, alpha chain, catalytic domain (IPR006098) of the encoded protein sequence. Five of five in-silico tools predict a damaging effect of the variant on protein function. The variant allele was found at a frequency of 1.2e-05 in 251394 control chromosomes. c.313T>C has been reported in the literature as biallelic homozygous or compound heterozygous genotypes in multiple individuals affected with Methylmalonic Acidemia (example, PMID: 30041674, 27233228, 16281286). These data indicate that the variant is very likely to be associated with disease. Four clinical diagnostic laboratories have submitted clinical-significance assessments for this variant to ClinVar after 2014 without evidence for independent evaluation. All laboratories classified the variant as pathogenic/likely pathogenic. Based on the evidence outlined above, the variant was classified as pathogenic.

Labcorp Genetics (formerly Invitae), Labcorp
Classification: Pathogenic for Methylmalonic aciduria due to methylmalonyl-CoA mutase deficiency. Last evaluated: 2019-08-23. Review status: criteria provided, single submitter. Criteria: Invitae Variant Classification Sherloc (09022015). Collection method: clinical testing. Allele origin: germline.
Comment: This sequence change replaces tryptophan with arginine at codon 105 of the MUT protein (p.Trp105Arg). The tryptophan residue is highly conserved and there is a moderate physicochemical difference between tryptophan and arginine. This variant is not present in population databases (ExAC no frequency). This variant has been observed in the homozygous and compound heterozygous state in individuals affected with methylmalonic aciduria (PMID: 1977311, 16281286). ClinVar contains an entry for this variant (Variation ID: 1878). This variant has been reported to affect MUT protein function (PMID: 1977311). For these reasons, this variant has been classified as Pathogenic.

GeneDx
Classification: Pathogenic. Last evaluated: 2016-09-30. Review status: criteria provided, single submitter. Criteria: GeneDx Variant Classification (06012015). Collection method: clinical testing. Allele origin: germline. Affected: yes.
Comment: The W105R variant has previously been reported in association with methylmalonic acidemia (MMA) in several unrelated individuals who were homozygous for W105R or heterozygous for W105R and a second variant in the MUT gene (Jansen et al., 1990; Worgan et al., 2006). Functional analysis found that W105R is associated with no detectable enzyme activity (Jansen et al., 1990). Therefore, we interpret W105R to be a pathogenic variant.

Counsyl
Classification: Likely pathogenic for Methylmalonic aciduria due to methylmalonyl-CoA mutase deficiency. Last evaluated: 2018-01-04. Review status: no assertion criteria provided. Collection method: clinical testing. Allele origin: unknown. Not counted in ClinVar's aggregate classification.

OMIM
Classification: Pathogenic for METHYLMALONIC ACIDURIA, mut(0) TYPE. Last evaluated: 1990-11-01. Review status: no assertion criteria provided. Collection method: literature only. Allele origin: germline. Not counted in ClinVar's aggregate classification.

GeneReviews
No classification provided. Condition: Methylmalonic aciduria due to methylmalonyl-CoA mutase deficiency. Review status: no classification provided. Collection method: literature only. Allele origin: germline. Affected: yes. Not counted in ClinVar's aggregate classification.
Comment: mut0 enzymatic subtype

Literature cited by the submitters: PubMed 16281286 (cited by 4 submitters); PubMed 27233228 (cited by Women's Health and Genetics/Laboratory Corporation of America, LabCorp); PubMed 30041674 (cited by Women's Health and Genetics/Laboratory Corporation of America, LabCorp); PubMed 1977311 (cited by 3 submitters); PubMed 1346616 (cited by Counsyl); NCBI Bookshelf NBK1231 (cited by GeneReviews).